The following is an entry in ClinVar:

ClinVar aggregate classification (germline): Uncertain significance (1 of 4 stars; one submission).

Conditions:
Dystonia 28, childhood-onset (DYT28). Also called: KMT2B-Related Dystonia (DYT-KMT2B). Identifiers: Orphanet 589618, MedGen C4310633, MONDO:0015004, OMIM 617284.
Intellectual developmental disorder, autosomal dominant 68 (MRD68). Also called: MENTAL RETARDATION, AUTOSOMAL DOMINANT 68. Identifiers: MedGen C5677008, MONDO:0030969, OMIM 619934.

Submission:

Juno Genomics, Hangzhou Juno Genomics, Inc
Classification: Uncertain significance for Dystonia 28, childhood-onset; Intellectual developmental disorder, autosomal dominant 68. Review status: criteria provided, single submitter. Criteria: ACMG Guidelines, 2015. Collection method: clinical testing. Allele origin: germline.
Comment: Null variant in a gene where loss of function (LOF) is a known mechanism of disease.;Absent from controls (or at extremely low frequency if recessive) in Genome Aggregation Database.

NM_014727.3(KMT2B):c.3528+2T>C

Gene: KMT2B (lysine methyltransferase 2B; plus strand). Cytogenetic location: 19q13.12.
Variant type: single nucleotide variant.
Coding change: c.3528+2T>C on transcript NM_014727.3 (MANE Select); the canonical splice donor site of the intron after coding-DNA position 3528, T replaced by C.
Molecular consequence: splice donor variant.
Genome position (GRCh38, 1-based): chr19:35,725,089, T>C. VCF-style: chr19-35725089-T-C. GRCh37 (hg19) VCF-style: chr19-36215990-T-C.
Identifiers: ClinVar variation 5005966 (VCV005005966.2).